The following is an entry in ClinVar:

ClinVar aggregate classification (germline): Uncertain significance (1 of 4 stars; one submission).

Submission:

Labcorp Genetics (formerly Invitae), Labcorp
Classification: Uncertain significance. Last evaluated: 2024-06-24. Review status: criteria provided, single submitter. Criteria: Invitae Variant Classification Sherloc (09022015). Collection method: clinical testing. Allele origin: germline.
Comment: This variant, c.4435_4449del, results in the deletion of 5 amino acid(s) of the PTPN23 protein (p.His1479_Asp1483del), but otherwise preserves the integrity of the reading frame. This variant is present in population databases (rs752850409, gnomAD 0.002%). This variant has not been reported in the literature in individuals affected with PTPN23-related conditions. ClinVar contains an entry for this variant (Variation ID: 2118496). Experimental studies and prediction algorithms are not available or were not evaluated, and the functional significance of this variant is currently unknown. In summary, the available evidence is currently insufficient to determine the role of this variant in disease. Therefore, it has been classified as a Variant of Uncertain Significance.

NM_015466.4(PTPN23):c.4435_4449del (p.His1479_Asp1483del)

Gene: PTPN23 (protein tyrosine phosphatase non-receptor type 23; plus strand). Cytogenetic location: 3p21.31.
Variant type: Deletion.
Coding change: c.4435_4449del on transcript NM_015466.4 (MANE Select); coding-DNA positions 4435 to 4449, 15 bases deleted (CACCTTCCTCAGGAC).
Protein change: p.His1479_Asp1483del.
Molecular consequence: inframe deletion.
Genome position (GRCh38, 1-based): chr3:47,412,709-47,412,723, CACCTTCCTCAGGAC deleted; deleting any 15 consecutive bases within chr3:47,412,707-47,412,723 gives the same sequence; the c. name uses the placement nearest the transcript's 3' end. VCF-style (leftmost placement, unchanged base first): chr3-47412706-AACCACCTTCCTCAGG-A. GRCh37 (hg19) VCF-style: chr3-47454196-AACCACCTTCCTCAGG-A.
Other names: c.4057_4071del, p.His1353_Asp1357del (NM_001304482.2).
Identifiers: ClinVar variation 2118496 (VCV002118496.4), dbSNP rs752850409, ClinGen allele CA2366611.
Genomic context (GRCh38, chr3:47,412,706, plus strand): 5'-AAGCTGCTGGGAGAGCCACAGCCTTGGGACTCCCTCTCCTCACTCACTCTGTCTTCTCAG[AACCACCTTCCTCAGG>A]ACTCCCAGGACCTGGTCCTCGGTGGGGATGTGCCCATCAGCTCCATCCAGGCCACCATTG-3'